The following is an entry in ClinVar:

NM_213599.3(ANO5):c.2717C>T (p.Ala906Val)

Gene: ANO5 (anoctamin 5; plus strand). Cytogenetic location: 11p14.3.
Variant type: single nucleotide variant.
Coding change: c.2717C>T on transcript NM_213599.3 (MANE Select); coding-DNA position 2717, C replaced by T.
Protein change: p.Ala906Val; replaces alanine 906 with valine.
Molecular consequence: missense variant.
Genome position (GRCh38, 1-based): chr11:22,279,740, C>T. VCF-style: chr11-22279740-C-T. GRCh37 (hg19) VCF-style: chr11-22301286-C-T.
Other names: c.2714C>T, p.Ala905Val (NM_001142649.2); short protein forms A906V, A905V.
Identifiers: ClinVar variation 640481 (VCV000640481.11), dbSNP rs764351643, ClinGen allele CA5923651.

ClinVar aggregate classification (germline): Uncertain significance (1 of 4 stars; one submission).

Conditions:
Autosomal recessive limb-girdle muscular dystrophy type 2L (LGMDR12). Also called: Limb-girdle muscular dystrophy, type 2L; MUSCULAR DYSTROPHY, LIMB-GIRDLE, AUTOSOMAL RECESSIVE 12; Limb-Girdle Muscular Dystrophy R12 Anoctamin-5-Related (LGMD-R12). Identifiers: Orphanet 206549, MedGen C1969785, MONDO:0012652, OMIM 611307.
Gnathodiaphyseal dysplasia (GDD). Also called: GNATHODIAPHYSEAL SCLEROSIS; OSTEOGENESIS IMPERFECTA WITH UNUSUAL SKELETAL LESIONS. Identifiers: Orphanet 53697, MedGen C1833736, MONDO:0008151, OMIM 166260.

Allele frequency attached by ClinVar (database versions not stated): gnomAD exomes below 0.00001; gnomAD 0.00001.

Submission:

Labcorp Genetics (formerly Invitae), Labcorp
Classification: Uncertain significance for Autosomal recessive limb-girdle muscular dystrophy type 2L; Gnathodiaphyseal dysplasia. Last evaluated: 2019-07-04. Review status: criteria provided, single submitter. Criteria: Invitae Variant Classification Sherloc (09022015). Collection method: clinical testing. Allele origin: germline.
Comment: This sequence change replaces alanine with valine at codon 906 of the ANO5 protein (p.Ala906Val). The alanine residue is weakly conserved and there is a small physicochemical difference between alanine and valine. The frequency data for this variant in the population databases is considered unreliable, as metrics indicate poor data quality at this position in the ExAC database. This variant has not been reported in the literature in individuals with ANO5-related disease. Algorithms developed to predict the effect of missense changes on protein structure and function output the following: SIFT: "Tolerated"; PolyPhen-2: "Benign"; Align-GVGD: "Class C0". The valine amino acid residue is found in multiple mammalian species, suggesting that this missense change does not adversely affect protein function. These predictions have not been confirmed by published functional studies and their clinical significance is uncertain. In summary, the available evidence is currently insufficient to determine the role of this variant in disease. Therefore, it has been classified as a Variant of Uncertain Significance.